The following is an entry in ClinVar:

ClinVar aggregate classification (germline): Uncertain significance (1 of 4 stars; one submission).

Conditions:
Hereditary spastic paraplegia 49 (HSAN9). Also called: TECPR2-Related Hereditary Sensory and Autonomic Neuropathy with Intellectual Disability; NEUROPATHY, HEREDITARY SENSORY AND AUTONOMIC, TYPE IX, WITH DEVELOPMENTAL DELAY; Spastic paraplegia 49, autosomal recessive. Identifiers: Orphanet 320385, MedGen C5190860, MONDO:0014016, OMIM 615031.

gnomAD v4.1: 2 of 1,610,732 alleles (0.00012%); highest among the groups gnomAD compares: Non-Finnish European, 0.00017%; no homozygotes.

Submission:

Labcorp Genetics (formerly Invitae), Labcorp
Classification: Uncertain significance for Hereditary spastic paraplegia 49. Last evaluated: 2022-08-21. Review status: criteria provided, single submitter. Criteria: Invitae Variant Classification Sherloc (09022015). Collection method: clinical testing. Allele origin: germline.
Comment: This sequence change replaces glycine, which is neutral and non-polar, with arginine, which is basic and polar, at codon 792 of the TECPR2 protein (p.Gly792Arg). This variant is not present in population databases (gnomAD no frequency). This variant has not been reported in the literature in individuals affected with TECPR2-related conditions. Algorithms developed to predict the effect of missense changes on protein structure and function are either unavailable or do not agree on the potential impact of this missense change (SIFT: "Tolerated"; PolyPhen-2: "Possibly Damaging"; Align-GVGD: "Class C0"). In summary, the available evidence is currently insufficient to determine the role of this variant in disease. Therefore, it has been classified as a Variant of Uncertain Significance.

NM_014844.5(TECPR2):c.2374G>C (p.Gly792Arg)

Gene: TECPR2 (tectonin beta-propeller repeat containing 2; plus strand). Cytogenetic location: 14q32.31.
Variant type: single nucleotide variant.
Coding change: c.2374G>C on transcript NM_014844.5 (MANE Select); coding-DNA position 2374, G replaced by C.
Protein change: p.Gly792Arg; replaces glycine 792 with arginine.
Molecular consequence: missense variant.
Genome position (GRCh38, 1-based): chr14:102,435,191, G>C. VCF-style: chr14-102435191-G-C. GRCh37 (hg19) VCF-style: chr14-102901528-G-C.
Other names: c.2374G>C, p.Gly792Arg (NM_001172631.3); short protein forms G792R.
Identifiers: ClinVar variation 2053834 (VCV002053834.1), dbSNP rs375125759, ClinGen allele CA391063368.